The following is an entry in ClinVar:

NM_004991.4(MECOM):c.1801C>G (p.Leu601Val)

Gene: MECOM (MDS1 and EVI1 complex locus; minus strand). Cytogenetic location: 3q26.2.
Variant type: single nucleotide variant.
Coding change: c.1801C>G on transcript NM_004991.4 (MANE Select); coding-DNA position 1801, C replaced by G.
Protein change: p.Leu601Val; replaces leucine 601 with valine.
Molecular consequence: missense variant. On other transcripts: intron variant (2).
Genome position (GRCh38, 1-based): chr3:169,116,071, G>C on the plus strand (C>G on the coding strand, the complement: MECOM is on the minus strand). VCF-style: chr3-169116071-G-C. GRCh37 (hg19) VCF-style: chr3-168833859-G-C.
Other names: c.1432C>G, p.Leu478Val (NM_001105077.4); c.1237C>G, p.Leu413Val (NM_001105078.4, NM_001164000.2, NM_001205194.2 and 4 more transcripts); c.1240C>G, p.Leu414Val (NM_001163999.2, NM_001366467.2, NM_001366468.2 and 1 more transcripts); c.1801C>G, p.Leu601Val (NM_001366466.2); c.1133-304C>G (NM_001366473.2); c.569-304C>G (NM_001366474.2); short protein forms L601V, L414V, L413V, L478V.
Identifiers: ClinVar variation 3871707 (VCV003871707.1).
Genomic context (GRCh38, chr3:169,116,071, plus strand): 5'-CTTTGAACATTTTACCATTTTCTTTAAATTTCTCTTTATCACTTTCAATGTCACTTTCCA[G>C]ATCAGAGCCCGAGGTTGTTTCCAGGTCACTGCCACTTGGTGTACTGACATCATCAAGGTC-3'
Protein context (NP_004982.2, residues 591-611): SDLETTSGSD[Leu601Val]ESDIESDKEK

ClinVar aggregate classification (germline): Uncertain significance (1 of 4 stars; one submission).

Conditions:
Inborn genetic diseases. Identifiers: MedGen C0950123, MeSH D030342.

gnomAD v4.1: 1 of 1,614,106 alleles (0.000062%); highest among the groups gnomAD compares: Admixed American, 0.0017%; no homozygotes.

Submission:

Ambry Genetics
Classification: Uncertain significance for Inborn genetic diseases. Last evaluated: 2025-01-13. Review status: criteria provided, single submitter. Criteria: Ambry Variant Classification Scheme 2023. Collection method: clinical testing. Allele origin: germline.
Comment: The p.L601V variant (also known as c.1801C>G), located in coding exon 8 of the MECOM gene, results from a C to G substitution at nucleotide position 1801. The leucine at codon 601 is replaced by valine, an amino acid with highly similar properties. This amino acid position is conserved. In addition, this alteration is predicted to be tolerated by in silico analysis. Based on the available evidence, the clinical significance of this variant remains unclear.